The following is an entry in ClinVar:

ClinVar aggregate classification (germline): Conflicting classifications of pathogenicity. Review status: criteria provided, conflicting classifications (1 of 4 stars). 2 submissions from 2 submitters: Uncertain significance (1); Likely benign (1). Last evaluated 2024-03-28.

Conditions:
Hereditary cancer-predisposing syndrome. Also called: Hereditary Cancer Syndrome; Hereditary neoplastic syndrome; Tumor predisposition; Neoplastic Syndromes, Hereditary. Identifiers: Orphanet 140162, MedGen C0027672, MeSH D009386, MONDO:0015356.

Allele frequency attached by ClinVar (database versions not stated): gnomAD exomes below 0.00001.
gnomAD v4.1: 4 of 1,586,970 alleles (0.00025%); highest among the groups gnomAD compares: African/African-American, 0.0027%; no homozygotes.

Submissions (2):

Ambry Genetics
Classification: Likely benign for Hereditary cancer-predisposing syndrome. Last evaluated: 2024-03-28. Review status: criteria provided, single submitter. Criteria: Ambry Variant Classification Scheme 2023. Collection method: clinical testing. Allele origin: germline.

Labcorp Genetics (formerly Invitae), Labcorp
Classification: Uncertain significance for Hereditary cancer-predisposing syndrome. Last evaluated: 2024-02-22. Review status: criteria provided, single submitter. Criteria: Invitae Variant Classification Sherloc (09022015). Collection method: clinical testing. Allele origin: germline.
Comment: This sequence change replaces asparagine, which is neutral and polar, with serine, which is neutral and polar, at codon 937 of the RAD50 protein (p.Asn937Ser). This variant is not present in population databases (gnomAD no frequency). This variant has not been reported in the literature in individuals affected with RAD50-related conditions. ClinVar contains an entry for this variant (Variation ID: 843034). Advanced modeling of protein sequence and biophysical properties (such as structural, functional, and spatial information, amino acid conservation, physicochemical variation, residue mobility, and thermodynamic stability) performed at Invitae indicates that this missense variant is not expected to disrupt RAD50 protein function with a negative predictive value of 80%. In summary, the available evidence is currently insufficient to determine the role of this variant in disease. Therefore, it has been classified as a Variant of Uncertain Significance.

NM_005732.4(RAD50):c.2810A>G (p.Asn937Ser)

Gene: RAD50 (RAD50 double strand break repair protein; plus strand). Cytogenetic location: 5q31.1.
Variant type: single nucleotide variant.
Coding change: c.2810A>G on transcript NM_005732.4 (MANE Select); coding-DNA position 2810, A replaced by G.
Protein change: p.Asn937Ser; replaces asparagine 937 with serine.
Molecular consequence: missense variant.
Genome position (GRCh38, 1-based): chr5:132,608,706, A>G. VCF-style: chr5-132608706-A-G. GRCh37 (hg19) VCF-style: chr5-131944398-A-G.
Other names: short protein forms N937S.
Identifiers: ClinVar variation 843034 (VCV000843034.10), dbSNP rs372347288, ClinGen allele CA127260534.
Genomic context (GRCh38, chr5:132,608,706, plus strand): 5'-CAACATTGGAAAAGTTCCAGCAAGAAAAAGAAGAATTAATCAACAAAAAAAATACAAGCA[A>G]CAAAATAGCACAGGATAAAGTAAGATTTCATTTATATATTTACTTATCAAATATCTGTAT-3'
Protein context (NP_005723.2, residues 927-947): EELINKKNTS[Asn937Ser]KIAQDKLNDI